The following is an entry in ClinVar:

ClinVar aggregate classification (germline): Conflicting classifications of pathogenicity. Review status: criteria provided, conflicting classifications (1 of 4 stars). 7 submissions from 7 submitters: Uncertain significance (4); Benign (1); Likely benign (1). 1 of the submissions does not count toward it. Last evaluated 2026-02-03.

Conditions:
MET-related disorder. Also called: MET-related condition.
Hepatocellular carcinoma (HCC). Also called: Primary carcinoma of liver; HEPATOMA; LIVER CELL CARCINOMA. Identifiers: Orphanet 88673, MedGen C2239176, MONDO:0007256, OMIM 114550, HP:0001402.
Autosomal recessive nonsyndromic hearing loss 97. Also called: Deafness, autosomal recessive 97. Identifiers: Orphanet 90636, MedGen C4084709, MONDO:0014739, OMIM 616705.
Papillary renal cell carcinoma type 1 (RCCP1). Also called: RENAL CELL CARCINOMA, PAPILLARY, 1, SOMATIC; Renal adenocarcinoma; Renal cell carcinoma 1; Renal cell carcinoma, somatic. Identifiers: Orphanet 47044, MedGen C1336839, OMIM 605074, HP:0011797.
Osteofibrous dysplasia (OSFD). Also called: Tibia, bowing of, with pseudarthrosis and pectus excavatum. Identifiers: Orphanet 488265, MedGen C4085248, MONDO:0011806, OMIM 607278.
Hereditary cancer-predisposing syndrome. Also called: Neoplastic Syndromes, Hereditary; Hereditary neoplastic syndrome; Tumor predisposition; Hereditary Cancer Syndrome. Identifiers: Orphanet 140162, MedGen C0027672, MeSH D009386, MONDO:0015356.
Renal cell carcinoma. Identifiers: Orphanet 217071, MedGen C0007134, MeSH D002292, MONDO:0005086, HP:0005584.

Allele frequency attached by ClinVar (database versions not stated): gnomAD exomes 0.00002 and 0.00003; ExAC 0.00003; gnomAD 0.00003 and 0.00004; TOPMed 0.00004.
gnomAD v4.1: 48 of 1,614,012 alleles (0.003%); highest among the groups gnomAD compares: African/African-American, 0.004%; no homozygotes.

Submissions (7):

Labcorp Genetics (formerly Invitae), Labcorp
Classification: Likely benign for Renal cell carcinoma. Last evaluated: 2026-02-03. Review status: criteria provided, single submitter. Criteria: Invitae Variant Classification Sherloc (09022015). Collection method: clinical testing. Allele origin: germline.

Center for Genomic Medicine, Rigshospitalet, Copenhagen University Hospital
Classification: Uncertain significance. Last evaluated: 2025-12-29. Review status: criteria provided, single submitter. Criteria: ACMG Guidelines, 2015. Collection method: clinical testing. Allele origin: germline.

Baylor Genetics
Classification: Uncertain significance for Autosomal recessive nonsyndromic hearing loss 97. Last evaluated: 2024-03-13. Review status: criteria provided, single submitter. Criteria: ACMG Guidelines, 2015. Collection method: clinical testing. Allele origin: unknown.

GeneDx
Classification: Uncertain significance. Last evaluated: 2024-01-04. Review status: criteria provided, single submitter. Criteria: GeneDx Variant Classification Process June 2021. Collection method: clinical testing. Allele origin: germline. Affected: yes.
Comment: Has not been previously published as pathogenic or benign to our knowledge; In silico analysis supports that this missense variant does not alter protein structure/function

Ambry Genetics
Classification: Benign for Hereditary cancer-predisposing syndrome. Last evaluated: 2023-06-06. Review status: criteria provided, single submitter. Criteria: Ambry Variant Classification Scheme 2023. Collection method: clinical testing. Allele origin: germline.

Fulgent Genetics
Classification: Uncertain significance for Hepatocellular carcinoma; Papillary renal cell carcinoma type 1; Osteofibrous dysplasia; Autosomal recessive nonsyndromic hearing loss 97. Last evaluated: 2018-10-31. Review status: criteria provided, single submitter. Criteria: ACMG Guidelines, 2015. Collection method: clinical testing. Allele origin: unknown.

PreventionGenetics, part of Exact Sciences
Classification: Uncertain significance for MET-related condition. Last evaluated: 2024-04-26. Review status: no assertion criteria provided. Collection method: clinical testing. Allele origin: germline. Not counted in ClinVar's aggregate classification.
Comment: The MET c.4088T>C variant is predicted to result in the amino acid substitution p.Ile1363Thr. To our knowledge, this variant has not been reported in the literature. This variant is reported in 0.0083% of alleles in individuals of African descent in gnomAD. This variant has conflicting interpretations in ClinVar ranging from uncertain to benign. At this time, the clinical significance of this variant is uncertain due to the absence of conclusive functional and genetic evidence.

NM_000245.4(MET):c.4034T>C (p.Ile1345Thr)

Gene: MET (MET proto-oncogene, receptor tyrosine kinase; plus strand). Cytogenetic location: 7q31.2.
Variant type: single nucleotide variant.
Coding change: c.4034T>C on transcript NM_000245.4 (MANE Select); coding-DNA position 4034, T replaced by C.
Protein change: p.Ile1345Thr; replaces isoleucine 1345 with threonine.
Molecular consequence: missense variant.
Genome position (GRCh38, 1-based): chr7:116,795,985, T>C. VCF-style: chr7-116795985-T-C. GRCh37 (hg19) VCF-style: chr7-116436039-T-C.
Other names: c.4088T>C (LRG_662t1, NM_001127500.2); c.4088T>C, p.Ile1363Thr (NM_001127500.3); c.2744T>C, p.Ile915Thr (NM_001324402.2); short protein forms I1363T, I915T, I1345T.
Identifiers: ClinVar variation 524889 (VCV000524889.28), dbSNP rs768188910, ClinGen allele CA4448820.